The following is an entry in ClinVar:

ClinVar aggregate classification (germline): Benign/Likely benign. Review status: criteria provided, multiple submitters, no conflicts (2 of 4 stars). 3 submissions from 3 submitters: Benign (1); Likely benign (2). Last evaluated 2025-09-20.

Conditions:
Hereditary cancer-predisposing syndrome. Also called: Hereditary neoplastic syndrome; Neoplastic Syndromes, Hereditary; Hereditary Cancer Syndrome; Tumor predisposition. Identifiers: Orphanet 140162, MedGen C0027672, MeSH D009386, MONDO:0015356.
Familial adenomatous polyposis 1 (FAP1). Also called: POLYPOSIS, ADENOMATOUS INTESTINAL; FAMILIAL ADENOMATOUS POLYPOSIS 1, ATTENUATED. Identifiers: MedGen C2713442, MONDO:0021056, OMIM 175100. Disease mechanism: loss of function.

Submissions (3):

Ambry Genetics
Classification: Likely benign for Hereditary cancer-predisposing syndrome. Last evaluated: 2025-09-20. Review status: criteria provided, single submitter. Criteria: Ambry Variant Classification Scheme 2023. Collection method: clinical testing. Allele origin: germline.

Labcorp Genetics (formerly Invitae), Labcorp
Classification: Likely benign for Familial adenomatous polyposis 1. Last evaluated: 2025-08-06. Review status: criteria provided, single submitter. Criteria: Invitae Variant Classification Sherloc (09022015). Collection method: clinical testing. Allele origin: germline.

Myriad Genetics, Inc.
Classification: Benign for Familial adenomatous polyposis 1. Last evaluated: 2024-04-11. Review status: criteria provided, single submitter. Criteria: Myriad Autosomal Dominant, Autosomal Recessive and X-Linked Classification Criteria (2023). Collection method: clinical testing. Allele origin: unknown.
Comment: This variant is considered benign. This variant is a silent/synonymous amino acid change and it is not expected to impact splicing.

NM_000038.6(APC):c.7968T>C (p.Asp2656=)

Gene: APC (APC regulator of Wnt signaling pathway; plus strand). Cytogenetic location: 5q22.2.
Variant type: single nucleotide variant.
Coding change: c.7968T>C on transcript NM_000038.6 (MANE Select); coding-DNA position 7968, T replaced by C.
Protein change: p.Asp2656=; no amino-acid change (aspartic acid 2656 retained).
Molecular consequence: synonymous variant. On other transcripts: non-coding transcript variant (2).
Genome position (GRCh38, 1-based): chr5:112,843,562, T>C. VCF-style: chr5-112843562-T-C. GRCh37 (hg19) VCF-style: chr5-112179259-T-C.
Other names: c.7968T>C, p.Asp2656= (NM_001127510.3, NM_001354895.2, NM_001407450.1); c.7914T>C, p.Asp2638= (NM_001127511.3); c.8022T>C, p.Asp2674= (NM_001354896.2, NM_001407447.1, NM_001407448.1 and 1 more transcripts); c.7998T>C, p.Asp2666= (NM_001354897.2); c.7893T>C, p.Asp2631= (NM_001354898.2); c.7884T>C, p.Asp2628= (NM_001354899.2); c.7845T>C, p.Asp2615= (NM_001354900.2); c.7791T>C, p.Asp2597= (NM_001354901.2, NM_001407453.1); and 12 more.
Identifiers: ClinVar variation 2765667 (VCV002765667.5), dbSNP rs1580688744, ClinGen allele CA446210989.